The following is an entry in ClinVar:

NM_024426.6(WT1):c.1086C>A (p.His362Gln)

Gene: WT1 (WT1 transcription factor; minus strand). Cytogenetic location: 11p13.
Variant type: single nucleotide variant.
Coding change: c.1086C>A on transcript NM_024426.6 (MANE Select); coding-DNA position 1086, C replaced by A.
Protein change: p.His362Gln; replaces histidine 362 with glutamine.
Molecular consequence: missense variant. On other transcripts: 5 prime UTR variant (1), non-coding transcript variant (2).
Genome position (GRCh38, 1-based): chr11:32,399,975, G>T on the plus strand (C>A on the coding strand, the complement: WT1 is on the minus strand). VCF-style: chr11-32399975-G-T. GRCh37 (hg19) VCF-style: chr11-32421521-G-T.
Other names: c.1035C>A, p.His345Gln (NM_000378.6, NM_001407045.1, NM_001407048.1 and 1 more transcripts); c.435C>A, p.His145Gln (NM_001198551.2); c.384C>A, p.His128Gln (NM_001198552.2); c.-103C>A (NM_001367854.1); c.1080C>A, p.His360Gln (NM_001407044.1); c.1086C>A, p.His362Gln (NM_001407046.1, NM_024424.5); c.963C>A, p.His321Gln (NM_001407047.1); c.912C>A, p.His304Gln (NM_001407050.1); and 5 more; short protein forms H108Q, H128Q, H145Q, H272Q, H289Q, H304Q, H321Q, H340Q.
Identifiers: ClinVar variation 3071539 (VCV003071539.2), dbSNP rs1421853816, ClinGen allele CA379960317.

ClinVar aggregate classification (germline): Uncertain significance. Review status: criteria provided, multiple submitters, no conflicts (2 of 4 stars). 2 submissions from 2 submitters: Uncertain significance (2). Last evaluated 2024-03-06.

Conditions:
Wilms tumor 1 (WT1). Also called: Wilms tumor, somatic. Identifiers: Orphanet 654, MedGen CN033288, MONDO:0008679, OMIM 194070.

Submissions (2):

Color Diagnostics, LLC DBA Color Health
Classification: Uncertain significance for Wilms tumor 1. Last evaluated: 2024-03-06. Review status: criteria provided, single submitter. Criteria: ACMG Guidelines, 2015. Collection method: clinical testing. Allele origin: germline.
Comment: This missense variant replaces histidine with glutamine at codon 357 in the WT1 protein. Computational prediction suggests that this variant may have deleterious impact on protein structure and function. To our knowledge, functional studies have not been reported for this variant. This variant has not been reported in individuals affected with WT1-related disorders in the literature. This variant has not been identified in the general population by the Genome Aggregation Database (gnomAD). The available evidence is insufficient to determine the role of this variant in disease conclusively. Therefore, this variant is classified as a Variant of Uncertain Significance.

All of Us Research Program, National Institutes of Health
Classification: Uncertain significance for Wilms tumor 1. Last evaluated: 2023-06-08. Review status: criteria provided, single submitter. Criteria: ACMG Guidelines, 2015. Collection method: clinical testing. Allele origin: germline. Inheritance: Autosomal dominant inheritance. Observed: 1 variant allele, 1 heterozygote.
Comment: This missense variant replaces histidine with glutamine at codon 357 in the WT1 protein. Computational prediction suggests that this variant may have deleterious impact on protein structure and function (internally defined REVEL score threshold >= 0.7, PMID: 27666373). To our knowledge, functional studies have not been reported for this variant. This variant has not been reported in individuals affected with WT1-related disorders in the literature. This variant has not been identified in the general population by the Genome Aggregation Database (gnomAD). The available evidence is insufficient to determine the role of this variant in disease conclusively. Therefore, this variant is classified as a Variant of Uncertain Significance.

This study involves interpretation of variants in research participants for the purpose of population health screening. Participant phenotype was not available at the time of variant classification. Additional details can be found in publication PMID: 35346344, PMCID: PMC8962531